The following is an entry in ClinVar:

ClinVar aggregate classification (germline): Uncertain significance (1 of 4 stars; one submission).

Conditions:
Oligodontia-cancer predisposition syndrome. Also called: TOOTH AGENESIS-COLORECTAL CANCER SYNDROME. Identifiers: Orphanet 300576, MedGen C1837750, MONDO:0012075, OMIM 608615. Disease mechanism: loss of function.

Submission:

Labcorp Genetics (formerly Invitae), Labcorp
Classification: Uncertain significance for Oligodontia-cancer predisposition syndrome. Last evaluated: 2021-06-18. Review status: criteria provided, single submitter. Criteria: Invitae Variant Classification Sherloc (09022015). Collection method: clinical testing. Allele origin: germline.
Comment: In summary, the available evidence is currently insufficient to determine the role of this variant in disease. Therefore, it has been classified as a Variant of Uncertain Significance. Algorithms developed to predict the effect of missense changes on protein structure and function (SIFT, PolyPhen-2, Align-GVGD) all suggest that this variant is likely to be disruptive, but these predictions have not been confirmed by published functional studies and their clinical significance is uncertain. This variant has not been reported in the literature in individuals with AXIN2-related conditions. This variant is not present in population databases (ExAC no frequency). This sequence change replaces isoleucine with serine at codon 134 of the AXIN2 protein (p.Ile134Ser). The isoleucine residue is highly conserved and there is a large physicochemical difference between isoleucine and serine.

NM_004655.4(AXIN2):c.401T>G (p.Ile134Ser)

Gene: AXIN2 (axin 2; minus strand). Cytogenetic location: 17q24.1.
Variant type: single nucleotide variant.
Coding change: c.401T>G on transcript NM_004655.4 (MANE Select); coding-DNA position 401, T replaced by G.
Protein change: p.Ile134Ser; replaces isoleucine 134 with serine.
Molecular consequence: missense variant.
Genome position (GRCh38, 1-based): chr17:65,558,220, A>C on the plus strand (T>G on the coding strand, the complement: AXIN2 is on the minus strand). VCF-style: chr17-65558220-A-C. GRCh37 (hg19) VCF-style: chr17-63554338-A-C.
Other names: c.401T>G, p.Ile134Ser (NM_001363813.1); short protein forms I134S.
Identifiers: ClinVar variation 1489934 (VCV001489934.8), dbSNP rs2044302573, ClinGen allele CA400681474.